The following is an entry in ClinVar:

ClinVar aggregate classification (germline): Conflicting classifications of pathogenicity. Review status: criteria provided, conflicting classifications (1 of 4 stars). 13 submissions from 13 submitters: Uncertain significance (4); Likely benign (5). 4 of the submissions do not count toward it. Last evaluated 2026-03-06.

Conditions:
BRCA2-related disorder. Also called: BRCA2-related condition; BRCA2-related disorders. Identifiers: MedGen CN239275.
Hereditary cancer-predisposing syndrome. Also called: Tumor predisposition; Neoplastic Syndromes, Hereditary; Hereditary Cancer Syndrome; Hereditary neoplastic syndrome. Identifiers: Orphanet 140162, MedGen C0027672, MeSH D009386, MONDO:0015356.
Hereditary breast ovarian cancer syndrome. Also called: Hereditary breast and ovarian cancer syndrome (HBOC); Hereditary breast and ovarian cancer; Hereditary breast and ovarian cancer syndrome; Hereditary breast and/or ovarian cancer syndrome; Breast and ovarian cancer; BRCA1- and BRCA2-Associated Hereditary Breast and Ovarian Cancer. Identifiers: Orphanet 145, MedGen C0677776, MeSH D061325, MONDO:0003582. Disease mechanism: loss of function.
Breast-ovarian cancer, familial, susceptibility to, 2 (BROVCA2). Also called: BRCA2 Hereditary Breast and Ovarian Cancer. Identifiers: Orphanet 145, MedGen C2675520, MONDO:0012933, OMIM 612555. Disease mechanism: loss of function.

Allele frequency attached by ClinVar (database versions not stated): gnomAD exomes 0.00002 and 0.00003; TOPMed 0.00002; ExAC 0.00003; gnomAD 0.00003 and 0.00004; ESP Exome Variant Server 0.00008.
gnomAD v4.1: 29 of 1,613,778 alleles (0.0018%); highest among the groups gnomAD compares: South Asian, 0.0099%; no homozygotes.

Submissions (13):

Women's Health and Genetics/Laboratory Corporation of America, LabCorp
Classification: Uncertain significance. Last evaluated: 2026-03-06. Review status: criteria provided, single submitter. Criteria: LabCorp Variant Classification Summary - May 2015. Collection method: clinical testing. Allele origin: germline.
Comment: Variant summary: BRCA2 c.4531G>A (p.Glu1511Lys) results in a conservative amino acid change in the encoded protein sequence. Five of five in-silico tools predict a benign effect of the variant on protein function. The variant allele was found at a frequency of 2.9e-05 in 272744 control chromosomes. The available data on variant occurrences in the general population are insufficient to allow any conclusion about variant significance. c.4531G>A has been reported in the literature in individuals affected with ovarian cancer and neuroblastoma (e.g. Lasorsa_2016, Krivokuca_2019) but it was also reported in controls (e.g. Momozawa_2018, Mizukami_2020). These reports do not provide unequivocal conclusions about association of the variant with Hereditary Breast And Ovarian Cancer Syndrome. Co-occurrence with another pathogenic variant has been reported (PALB2, c.2167_2168delAT, internal data), providing supporting evidence for a benign role. To our knowledge, no experimental evidence demonstrating an impact on protein function has been reported. The following publications have been ascertained in the context of this evaluation (PMID: 30287823, 30122538, 30651582, 27009842, 32980694, 36243179). ClinVar contains an entry for this variant (Variation ID: 141630). Based on the evidence outlined above, the variant was classified as VUS-possibly benign.

Labcorp Genetics (formerly Invitae), Labcorp
Classification: Likely benign for Hereditary breast ovarian cancer syndrome. Last evaluated: 2026-01-18. Review status: criteria provided, single submitter. Criteria: Invitae Variant Classification Sherloc (09022015). Collection method: clinical testing. Allele origin: germline.

All of Us Research Program, National Institutes of Health
Classification: Likely benign for Breast-ovarian cancer, familial, susceptibility to, 2. Last evaluated: 2023-11-20. Review status: criteria provided, single submitter. Criteria: ACMG Guidelines, 2015. Collection method: clinical testing. Allele origin: germline. Inheritance: Autosomal dominant inheritance. Observed: 2 variant alleles, 2 heterozygotes.
Comment: This study involves interpretation of variants in research participants for the purpose of population health screening. Participant phenotype was not available at the time of variant classification. Additional details can be found in publication PMID: 35346344, PMCID: PMC8962531

GeneDx
Classification: Uncertain significance. Last evaluated: 2023-07-03. Review status: criteria provided, single submitter. Criteria: GeneDx Variant Classification Process June 2021. Collection method: clinical testing. Allele origin: germline. Affected: yes.
Comment: Observed in individuals with ovarian and other cancers (Lasorsa et al., 2016; Krivokuca et al., 2019); In silico analysis supports that this missense variant does not alter protein structure/function; Also known as 4759G>A; This variant is associated with the following publications: (PMID: 28137924, 27009842, 29338072, 30287823, 30122538, 30651582, 32467295)

University of Washington Department of Laboratory Medicine, University of Washington
Classification: Likely benign for Hereditary cancer-predisposing syndrome. Last evaluated: 2023-03-23. Review status: criteria provided, single submitter. Criteria: Dines et al. (Genet Med. 2020). Collection method: curation. Allele origin: germline.
Comment: Missense variant in a coldspot region where missense variants are very unlikely to be pathogenic (PMID:31911673).

BRCA2 exon 11 coldspot. Reclassification based on statistical prior probability.

Quest Diagnostics Nichols Institute San Juan Capistrano
Classification: Uncertain significance. Last evaluated: 2023-01-16. Review status: criteria provided, single submitter. Criteria: Quest Diagnostics criteria. Collection method: clinical testing. Allele origin: unknown.
Comment: The frequency of this variant in the general population, 0.0002 (6/30574 chromosomes), is uninformative in assessment of its pathogenicity. In the published literature, the variant has been reported in individuals with ovarian cancer (PMID: 30651582 (2019)) and neuroblastoma (PMID: 27009842 (2016)). It has also been reported in control individuals (PMIDs: 32980694 (2020), 30287823 (2018)). Analysis of this variant using bioinformatics tools for the prediction of the effect of amino acid changes on protein structure and function yielded predictions that this variant is benign. Based on the available information, we are unable to determine the clinical significance of this variant.

Ambry Genetics
Classification: Likely benign for Hereditary cancer-predisposing syndrome. Last evaluated: 2019-04-11. Review status: criteria provided, single submitter. Criteria: Ambry Variant Classification Scheme 2023. Collection method: clinical testing. Allele origin: germline.

Color Diagnostics, LLC DBA Color Health
Classification: Likely benign for Hereditary cancer-predisposing syndrome. Last evaluated: 2015-07-21. Review status: criteria provided, single submitter. Criteria: ACMG Guidelines, 2015. Collection method: clinical testing. Allele origin: germline.

Molecular Endocrinology Laboratory, Christian Medical College
Classification: Uncertain significance for Breast-ovarian cancer, familial, susceptibility to, 2. Review status: criteria provided, single submitter. Criteria: ACMG Guidelines, 2015. Collection method: clinical testing. Allele origin: germline. Affected: yes.

PreventionGenetics, part of Exact Sciences
Classification: Uncertain significance for BRCA2-related condition. Last evaluated: 2024-07-19. Review status: no assertion criteria provided. Collection method: clinical testing. Allele origin: germline. Not counted in ClinVar's aggregate classification.
Comment: The BRCA2 c.4531G>A variant is predicted to result in the amino acid substitution p.Glu1511Lys. This variant has been reported in multiple individuals with neuroblastoma or ovarian cancer (Table S7, Lasorsa et al. 2016. PubMed ID: 27009842; Table A2, Krivokuca et al. 2019. PubMed ID: 30651582). This variant is reported in 0.020% of alleles in individuals of South Asian descent in gnomAD and is interpreted as uncertain and likely benign in ClinVar. This variant occurs within a region of the BRCA2 gene that is predicted to be tolerant to missense variation (Dines et al. 2020. PubMed ID: 31911673). Although we suspect that this variant may be benign, at this time, the clinical significance of this variant is uncertain due to the absence of conclusive functional and genetic evidence.

BRCAlab, Lund University
Classification: Likely benign for Breast-ovarian cancer, familial, susceptibility to, 2. Last evaluated: 2024-02-02. Review status: no assertion criteria provided. Collection method: clinical testing. Allele origin: germline. Affected: yes. Not counted in ClinVar's aggregate classification.

Cancer Genetics and Genomics Laboratory, British Columbia Cancer Agency
Classification: Uncertain significance for Hereditary breast ovarian cancer syndrome. Last evaluated: 2016-04-14. Review status: no assertion criteria provided. Collection method: clinical testing. Allele origin: germline. Study: The Canadian Open Genetics Repository (COGR). Not counted in ClinVar's aggregate classification.

Counsyl
Classification: Uncertain significance for Breast-ovarian cancer, familial, susceptibility to, 2. Last evaluated: 2016-01-07. Review status: no assertion criteria provided. Collection method: clinical testing. Allele origin: unknown. Not counted in ClinVar's aggregate classification.

Literature cited by the submitters: PubMed 30287823 (cited by 3 submitters); PubMed 30122538 (cited by Women's Health and Genetics/Laboratory Corporation of America, LabCorp); PubMed 30651582 (cited by Women's Health and Genetics/Laboratory Corporation of America, LabCorp and Quest Diagnostics Nichols Institute San Juan Capistrano); PubMed 27009842 (cited by Women's Health and Genetics/Laboratory Corporation of America, LabCorp and Quest Diagnostics Nichols Institute San Juan Capistrano); PubMed 32980694 (cited by Women's Health and Genetics/Laboratory Corporation of America, LabCorp and Quest Diagnostics Nichols Institute San Juan Capistrano); PubMed 36243179 (cited by Women's Health and Genetics/Laboratory Corporation of America, LabCorp); PubMed 32467295 (cited by Quest Diagnostics Nichols Institute San Juan Capistrano).

NM_000059.4(BRCA2):c.4531G>A (p.Glu1511Lys)

Gene: BRCA2 (BRCA2 DNA repair associated; plus strand). Cytogenetic location: 13q13.1.
Variant type: single nucleotide variant.
Coding change: c.4531G>A on transcript NM_000059.4 (MANE Select); coding-DNA position 4531, G replaced by A.
Protein change: p.Glu1511Lys; replaces glutamic acid 1511 with lysine.
Molecular consequence: missense variant.
Genome position (GRCh38, 1-based): chr13:32,338,886, G>A. VCF-style: chr13-32338886-G-A. GRCh37 (hg19) VCF-style: chr13-32913023-G-A.
Other names: p.E1511K:GAA>AAA; short protein forms E1511K.
Identifiers: ClinVar variation 141630 (VCV000141630.40), dbSNP rs376338226, ClinGen allele CA020330.
Genomic context (GRCh38, chr13:32,338,886, plus strand): 5'-CTGAAAGAAAGTGTCCCAGTTGGTACTGGAAATCAACTAGTGACCTTCCAGGGACAACCC[G>A]AACGTGATGAAAAGATCAAAGAACCTACTCTATTGGGTTTTCATACAGCTAGCGGGAAAA-3'
Protein context (NP_000050.3, residues 1501-1521): NQLVTFQGQP[Glu1511Lys]RDEKIKEPTL